The following is an entry in ClinVar:

ClinVar aggregate classification (germline): Uncertain significance (1 of 4 stars; one submission).

Conditions:
Hereditary cancer-predisposing syndrome. Also called: Hereditary Cancer Syndrome; Tumor predisposition; Hereditary neoplastic syndrome; Neoplastic Syndromes, Hereditary. Identifiers: Orphanet 140162, MedGen C0027672, MeSH D009386, MONDO:0015356.

Allele frequency attached by ClinVar (database versions not stated): TOPMed below 0.00001.

Submission:

Labcorp Genetics (formerly Invitae), Labcorp
Classification: Uncertain significance for Hereditary cancer-predisposing syndrome. Last evaluated: 2021-08-12. Review status: criteria provided, single submitter. Criteria: Invitae Variant Classification Sherloc (09022015). Collection method: clinical testing. Allele origin: germline.
Comment: This variant is not present in population databases (ExAC no frequency). In summary, the available evidence is currently insufficient to determine the role of this variant in disease. Therefore, it has been classified as a Variant of Uncertain Significance. Algorithms developed to predict the effect of missense changes on protein structure and function are either unavailable or do not agree on the potential impact of this missense change (SIFT: "Tolerated"; PolyPhen-2: "Possibly Damaging"; Align-GVGD: "Class C0"). This variant has not been reported in the literature in individuals affected with RAD50-related conditions. This sequence change replaces valine with alanine at codon 35 of the RAD50 protein (p.Val35Ala). The valine residue is moderately conserved and there is a small physicochemical difference between valine and alanine.

NM_005732.4(RAD50):c.104T>C (p.Val35Ala)

Gene: RAD50 (RAD50 double strand break repair protein; plus strand). Cytogenetic location: 5q31.1.
Variant type: single nucleotide variant.
Coding change: c.104T>C on transcript NM_005732.4 (MANE Select); coding-DNA position 104, T replaced by C.
Protein change: p.Val35Ala; replaces valine 35 with alanine.
Molecular consequence: missense variant.
Genome position (GRCh38, 1-based): chr5:132,557,428, T>C. VCF-style: chr5-132557428-T-C. GRCh37 (hg19) VCF-style: chr5-131893120-T-C.
Other names: short protein forms V35A.
Identifiers: ClinVar variation 1410997 (VCV001410997.6), dbSNP rs1251435053, ClinGen allele CA360951707.